The following is an entry in ClinVar:

ClinVar aggregate classification (germline): Uncertain significance (1 of 4 stars; one submission).

Allele frequency attached by ClinVar (database versions not stated): gnomAD exomes below 0.00001.
gnomAD v4.1: 1 of 1,612,970 alleles (0.000062%); highest among the groups gnomAD compares: Non-Finnish European, 0.000085%; no homozygotes.

Submission:

Greenwood Genetic Center Diagnostic Laboratories, Greenwood Genetic Center
Classification: Uncertain significance. Last evaluated: 2023-04-06. Review status: criteria provided, single submitter. Criteria: ACMG Guidelines, 2015. Collection method: clinical testing. Allele origin: germline. Affected: yes.
Comment: PM2, PP2

NM_005862.3(STAG1):c.943A>G (p.Ile315Val)

Gene: STAG1 (STAG1 cohesin complex component; minus strand). Cytogenetic location: 3q22.3.
Variant type: single nucleotide variant.
Coding change: c.943A>G on transcript NM_005862.3 (MANE Select); coding-DNA position 943, A replaced by G.
Protein change: p.Ile315Val; replaces isoleucine 315 with valine.
Molecular consequence: missense variant.
Genome position (GRCh38, 1-based): chr3:136,477,372, T>C on the plus strand (A>G on the coding strand, the complement: STAG1 is on the minus strand). VCF-style: chr3-136477372-T-C. GRCh37 (hg19) VCF-style: chr3-136196214-T-C.
Other names: short protein forms I315V.
Identifiers: ClinVar variation 2572265 (VCV002572265.1), dbSNP rs2530696975, ClinGen allele CA354652872.